The following is an entry in ClinVar:

NM_003403.5(YY1):c.1134C>T (p.Thr378=)

Gene: YY1 (YY1 transcription factor; plus strand). Cytogenetic location: 14q32.2.
Variant type: single nucleotide variant.
Coding change: c.1134C>T on transcript NM_003403.5 (MANE Select); coding-DNA position 1134, C replaced by T.
Protein change: p.Thr378=; no amino-acid change (threonine 378 retained).
Molecular consequence: synonymous variant.
Genome position (GRCh38, 1-based): chr14:100,277,489, C>T. VCF-style: chr14-100277489-C-T. GRCh37 (hg19) VCF-style: chr14-100743826-C-T.
Identifiers: ClinVar variation 3025237 (VCV003025237.22), dbSNP rs750773098, ClinGen allele CA7344140.

ClinVar aggregate classification (germline): Likely benign (1 of 4 stars; one submission).

Allele frequency attached by ClinVar (database versions not stated): gnomAD 0.00003; TOPMed 0.00003.
gnomAD v4.1: 24 of 1,614,014 alleles (0.0015%); highest among the groups gnomAD compares: South Asian, 0.0055%; no homozygotes.

Submission:

CeGaT Center for Human Genetics Tuebingen
Classification: Likely benign. Last evaluated: 2024-11-01. Review status: criteria provided, single submitter. Criteria: CeGaT Center For Human Genetics Tuebingen Variant Classification Criteria Version 2. Collection method: clinical testing. Allele origin: germline. Affected: yes. Observed: 3 variant alleles.
Comment: YY1: BP4, BP7